The following is an entry in ClinVar:

NM_000337.6(SGCD):c.192+86A>G

Gene: SGCD (sarcoglycan delta; plus strand). Cytogenetic location: 5q33.3.
Variant type: single nucleotide variant.
Coding change: c.192+86A>G on transcript NM_000337.6 (MANE Select); 86 bases into the intron after coding-DNA position 192, A replaced by G.
Molecular consequence: intron variant.
Genome position (GRCh38, 1-based): chr5:156,344,763, A>G. VCF-style: chr5-156344763-A-G. GRCh37 (hg19) VCF-style: chr5-155771773-A-G.
Other names: c.189+86A>G (NM_001128209.2); c.192+86A>G (NM_172244.3).
Identifiers: ClinVar variation 672040 (VCV000672040.1), dbSNP rs4434364, ClinGen allele CA12013828.

ClinVar aggregate classification (germline): Benign (1 of 4 stars; one submission).

Allele frequency attached by ClinVar (database versions not stated): gnomAD 0.77068 and 0.78331; TOPMed 0.79240; 1000 Genomes Project 0.84525; 1000 Genomes Project 30x 0.84588.
gnomAD v4.1: 764,097 of 1,027,328 alleles (74%); highest among the groups gnomAD compares: East Asian, 93%; 287,518 homozygotes.

Submission:

GeneDx
Classification: Benign. Last evaluated: 2018-06-14. Review status: criteria provided, single submitter. Criteria: GeneDx Variant Classification (06012015). Collection method: clinical testing. Allele origin: germline. Affected: yes.
Comment: This variant is considered likely benign or benign based on one or more of the following criteria: it is a conservative change, it occurs at a poorly conserved position in the protein, it is predicted to be benign by multiple in silico algorithms, and/or has population frequency not consistent with disease.